The following is an entry in ClinVar:

ClinVar aggregate classification (germline): Uncertain significance (1 of 4 stars; one submission).

Allele frequency attached by ClinVar (database versions not stated): gnomAD exomes 0.00001.
gnomAD v4.1: 18 of 1,607,248 alleles (0.0011%); highest among the groups gnomAD compares: Non-Finnish European, 0.0015%; no homozygotes.

Submission:

Labcorp Genetics (formerly Invitae), Labcorp
Classification: Uncertain significance. Last evaluated: 2021-08-14. Review status: criteria provided, single submitter. Criteria: Invitae Variant Classification Sherloc (09022015). Collection method: clinical testing. Allele origin: germline.
Comment: This sequence change replaces tyrosine with cysteine at codon 966 of the ABCC6 protein (p.Tyr966Cys). The tyrosine residue is highly conserved and there is a large physicochemical difference between tyrosine and cysteine. This variant is not present in population databases (ExAC no frequency). This variant has not been reported in the literature in individuals affected with ABCC6-related conditions. Algorithms developed to predict the effect of missense changes on protein structure and function are either unavailable or do not agree on the potential impact of this missense change (SIFT: "Deleterious"; PolyPhen-2: "Probably Damaging"; Align-GVGD: "Class C0"). In summary, the available evidence is currently insufficient to determine the role of this variant in disease. Therefore, it has been classified as a Variant of Uncertain Significance.

NM_001171.6(ABCC6):c.2897A>G (p.Tyr966Cys)

Gene: ABCC6 (ATP binding cassette subfamily C member 6; minus strand). Cytogenetic location: 16p13.11.
Variant type: single nucleotide variant.
Coding change: c.2897A>G on transcript NM_001171.6 (MANE Select); coding-DNA position 2897, A replaced by G.
Protein change: p.Tyr966Cys; replaces tyrosine 966 with cysteine.
Molecular consequence: missense variant. On other transcripts: non-coding transcript variant (1).
Genome position (GRCh38, 1-based): chr16:16,169,744, T>C on the plus strand (A>G on the coding strand, the complement: ABCC6 is on the minus strand). VCF-style: chr16-16169744-T-C. GRCh37 (hg19) VCF-style: chr16-16263601-T-C.
Other names: c.2555A>G, p.Tyr852Cys (NM_001351800.1); short protein forms Y966C, Y852C.
Identifiers: ClinVar variation 1442414 (VCV001442414.5), dbSNP rs2046997465, ClinGen allele CA394884656.